The following is an entry in ClinVar:

ClinVar aggregate classification (germline): Uncertain significance (1 of 4 stars; one submission).

Submission:

Labcorp Genetics (formerly Invitae), Labcorp
Classification: Uncertain significance. Last evaluated: 2023-07-28. Review status: criteria provided, single submitter. Criteria: Invitae Variant Classification Sherloc (09022015). Collection method: clinical testing. Allele origin: germline.
Comment: This variant has not been reported in the literature in individuals affected with VCAN-related conditions. In summary, the available evidence is currently insufficient to determine the role of this variant in disease. Therefore, it has been classified as a Variant of Uncertain Significance. An algorithm developed to predict the effect of missense changes on protein structure and function (PolyPhen-2) suggests that this variant is likely to be tolerated. This variant is not present in population databases (gnomAD no frequency). This sequence change replaces glutamic acid, which is acidic and polar, with glutamine, which is neutral and polar, at codon 2111 of the VCAN protein (p.Glu2111Gln).

NM_004385.5(VCAN):c.6331G>C (p.Glu2111Gln)

Genes: VCAN (versican; plus strand), VCAN-AS1 (VCAN antisense RNA 1; minus strand). Cytogenetic location: 5q14.3.
Variant type: single nucleotide variant.
Coding change: c.6331G>C on transcript NM_004385.5 (MANE Select); coding-DNA position 6331, G replaced by C.
Protein change: p.Glu2111Gln; replaces glutamic acid 2111 with glutamine.
Molecular consequence: missense variant. On other transcripts: intron variant (2).
Genome position (GRCh38, 1-based): chr5:83,539,334, G>C. VCF-style: chr5-83539334-G-C. GRCh37 (hg19) VCF-style: chr5-82835153-G-C.
Other names: c.3370G>C, p.Glu1124Gln (NM_001164097.2); c.4004-6203G>C (NM_001164098.2); c.1043-6203G>C (NM_001126336.3); short protein forms E1124Q, E2111Q.
Identifiers: ClinVar variation 2747895 (VCV002747895.3), dbSNP rs2479113225, ClinGen allele CA360312314.